The following is an entry in ClinVar:

ClinVar aggregate classification (germline): Uncertain significance (1 of 4 stars; one submission).

gnomAD v4.1: 2 of 1,599,338 alleles (0.00013%); highest among the groups gnomAD compares: Non-Finnish European, 0.00017%; no homozygotes.

Submission:

Ambry Genetics
Classification: Uncertain significance. Last evaluated: 2025-02-26. Review status: criteria provided, single submitter. Criteria: Ambry Variant Classification Scheme 2023. Collection method: clinical testing. Allele origin: germline.
Comment: The p.A1037V variant (also known as c.3110C>T), located in coding exon 12 of the WNK2 gene, results from a C to T substitution at nucleotide position 3110. The alanine at codon 1037 is replaced by valine, an amino acid with similar properties. This amino acid position is conserved. In addition, this alteration is predicted to be tolerated by in silico analysis. Based on the available evidence, the clinical significance of this variant remains unclear.

NM_006648.4(WNK2):c.3110C>T (p.Ala1037Val)

Gene: WNK2 (WNK lysine deficient protein kinase 2; plus strand). Cytogenetic location: 9q22.31.
Variant type: single nucleotide variant.
Coding change: c.3110C>T on transcript NM_006648.4 (MANE Select); coding-DNA position 3110, C replaced by T.
Protein change: p.Ala1037Val; replaces alanine 1037 with valine.
Molecular consequence: missense variant.
Genome position (GRCh38, 1-based): chr9:93,261,857, C>T. VCF-style: chr9-93261857-C-T. GRCh37 (hg19) VCF-style: chr9-96024139-C-T.
Other names: c.3110C>T, p.Ala1037Val (NM_001282394.3); short protein forms A1037V.
Identifiers: ClinVar variation 3817166 (VCV003817166.1).